The following is an entry in ClinVar:

ClinVar aggregate classification (germline): Conflicting classifications of pathogenicity. Review status: criteria provided, conflicting classifications (1 of 4 stars). 2 submissions from 2 submitters: Likely pathogenic (1); Uncertain significance (1). Last evaluated 2025-07-20.

Conditions:
Charcot-Marie-Tooth Neuropathy X. Identifiers: MedGen CN118851.
Charcot-Marie-Tooth disease X-linked dominant 1. Also called: X-linked Charcot-Marie-Tooth disease type 1; GJB1 Disorders: Charcot-Marie-Tooth Neuropathy (CMT1X) and Central Nervous System Phenotypes; CHARCOT-MARIE-TOOTH NEUROPATHY, X-LINKED, 1; CHARCOT-MARIE-TOOTH PERONEAL MUSCULAR ATROPHY, X-LINKED; HEREDITARY MOTOR AND SENSORY NEUROPATHY, X-LINKED; HMSN, X-LINKED. Identifiers: Orphanet 101075, MedGen C0393808, MONDO:0010549, OMIM 302800.

Allele frequency attached by ClinVar (database versions not stated): gnomAD exomes 0.00001; TOPMed 0.00001.
gnomAD v4.1: 8 of 1,209,074 alleles (0.00066%); highest among the groups gnomAD compares: South Asian, 0.012%; no homozygotes.

Submissions (2):

Labcorp Genetics (formerly Invitae), Labcorp
Classification: Uncertain significance for Charcot-Marie-Tooth Neuropathy X. Last evaluated: 2025-07-20. Review status: criteria provided, single submitter. Criteria: Invitae Variant Classification Sherloc (09022015). Collection method: clinical testing. Allele origin: germline.
Comment: This sequence change replaces arginine, which is basic and polar, with glutamine, which is neutral and polar, at codon 215 of the GJB1 protein (p.Arg215Gln). This variant is not present in population databases (gnomAD no frequency). This variant has not been reported in the literature in individuals affected with GJB1-related conditions. ClinVar contains an entry for this variant (Variation ID: 1958026). Invitae Evidence Modeling of protein sequence and biophysical properties (such as structural, functional, and spatial information, amino acid conservation, physicochemical variation, residue mobility, and thermodynamic stability) indicates that this missense variant is not expected to disrupt GJB1 protein function with a negative predictive value of 95%. Experimental studies have shown that this missense change affects GJB1 function (PMID: 10234007). This variant disrupts the p.Arg215 amino acid residue in GJB1. Other variant(s) that disrupt this residue have been determined to be pathogenic (PMID: 8162049, 8816997, 9187667, 22464564). This suggests that this residue is clinically significant, and that variants that disrupt this residue are likely to be disease-causing. In summary, the available evidence is currently insufficient to determine the role of this variant in disease. Therefore, it has been classified as a Variant of Uncertain Significance.

Women's Health and Genetics/Laboratory Corporation of America, LabCorp
Classification: Likely pathogenic for Charcot-Marie-Tooth disease X-linked dominant 1. Last evaluated: 2024-05-30. Review status: criteria provided, single submitter. Criteria: LabCorp Variant Classification Summary - May 2015. Collection method: clinical testing. Allele origin: germline.
Comment: Variant summary: GJB1 c.644G>A (p.Arg215Gln) results in a conservative amino acid change in the encoded protein sequence. Three of five in-silico tools predict a benign effect of the variant on protein function. The variant was absent in 179956 control chromosomes (gnomAD). The available data on variant occurrences in the general population are insufficient to allow any conclusion about variant significance. To our knowledge, no occurrence of c.644G>A in individuals affected with Charcot-Marie-Tooth disease X-linked dominant 1 has been reported. A different variant affecting the same codon has been classified as pathogenic by our lab (c.643C>T, p.Arg215Trp), supporting the critical relevance of codon 215 to GJB1 protein function. In an in vitro functional system using Xenopus oocytes, the variant was shown not to form gap junctions leading to a complete loss of function (Castro_1999). The following publication has been ascertained in the context of this evaluation (PMID: 10234007). ClinVar contains an entry for this variant (Variation ID: 1958026). Based on the evidence outlined above, the variant was classified as likely pathogenic.

Literature cited by the submitters: PubMed 10234007 (cited by Labcorp Genetics (formerly Invitae), Labcorp and Women's Health and Genetics/Laboratory Corporation of America, LabCorp); PubMed 8162049 (cited by Labcorp Genetics (formerly Invitae), Labcorp); PubMed 8816997 (cited by Labcorp Genetics (formerly Invitae), Labcorp); PubMed 9187667 (cited by Labcorp Genetics (formerly Invitae), Labcorp); PubMed 22464564 (cited by Labcorp Genetics (formerly Invitae), Labcorp).

NM_000166.6(GJB1):c.644G>A (p.Arg215Gln)

Gene: GJB1 (gap junction protein beta 1; plus strand). Cytogenetic location: Xq13.1.
Variant type: single nucleotide variant.
Coding change: c.644G>A on transcript NM_000166.6 (MANE Select); coding-DNA position 644, G replaced by A.
Protein change: p.Arg215Gln; replaces arginine 215 with glutamine.
Molecular consequence: missense variant.
Genome position (GRCh38, 1-based): chrX:71,224,351, G>A. VCF-style: chrX-71224351-G-A. GRCh37 (hg19) VCF-style: chrX-70444201-G-A.
Other names: c.644G>A, p.Arg215Gln (NM_001097642.3); short protein forms R215Q.
Identifiers: ClinVar variation 1958026 (VCV001958026.4), dbSNP rs864622215, ClinGen allele CA413503422.